The following is an entry in ClinVar:

ClinVar aggregate classification (germline): Uncertain significance. Review status: criteria provided, multiple submitters, no conflicts (2 of 4 stars). 2 submissions from 2 submitters: Uncertain significance (2). Last evaluated 2024-09-25.

Conditions:
Hereditary cancer-predisposing syndrome. Also called: Neoplastic Syndromes, Hereditary; Tumor predisposition; Hereditary neoplastic syndrome; Hereditary Cancer Syndrome. Identifiers: Orphanet 140162, MedGen C0027672, MeSH D009386, MONDO:0015356.
Familial adenomatous polyposis 1 (FAP1). Also called: FAMILIAL ADENOMATOUS POLYPOSIS 1, ATTENUATED; POLYPOSIS, ADENOMATOUS INTESTINAL. Identifiers: MedGen C2713442, MONDO:0021056, OMIM 175100. Disease mechanism: loss of function.

gnomAD v4.1: 1 of 1,614,226 alleles (0.000062%); highest among the groups gnomAD compares: Admixed American, 0.0017%; no homozygotes.

Submissions (2):

Ambry Genetics
Classification: Uncertain significance for Hereditary cancer-predisposing syndrome. Last evaluated: 2024-09-25. Review status: criteria provided, single submitter. Criteria: Ambry Variant Classification Scheme 2023. Collection method: clinical testing. Allele origin: germline.
Comment: The p.T1585A variant (also known as c.4753A>G), located in coding exon 15 of the APC gene, results from an A to G substitution at nucleotide position 4753. The threonine at codon 1585 is replaced by alanine, an amino acid with similar properties. This amino acid position is highly conserved in available vertebrate species. In addition, in silico predictors for this gene do not accurately predict pathogenicity. Missense alterations in APC are not a common cause of disease (Spier I et al. Genet Med. 2024 Feb;26(2):100992). Based on the available evidence, the clinical significance of this variant remains unclear.

Labcorp Genetics (formerly Invitae), Labcorp
Classification: Uncertain significance for Familial adenomatous polyposis 1. Last evaluated: 2021-08-24. Review status: criteria provided, single submitter. Criteria: Invitae Variant Classification Sherloc (09022015). Collection method: clinical testing. Allele origin: germline.
Comment: This sequence change replaces threonine with alanine at codon 1585 of the APC protein (p.Thr1585Ala). The threonine residue is highly conserved and there is a small physicochemical difference between threonine and alanine. This variant is not present in population databases (ExAC no frequency). This variant has not been reported in the literature in individuals affected with APC-related conditions. Algorithms developed to predict the effect of missense changes on protein structure and function are either unavailable or do not agree on the potential impact of this missense change (SIFT: "Deleterious"; PolyPhen-2: "Possibly Damaging"; Align-GVGD: "Class C0"). Algorithms developed to predict the effect of sequence changes on RNA splicing suggest that this variant may create or strengthen a splice site. In summary, the available evidence is currently insufficient to determine the role of this variant in disease. Therefore, it has been classified as a Variant of Uncertain Significance.

NM_000038.6(APC):c.4753A>G (p.Thr1585Ala)

Gene: APC (APC regulator of Wnt signaling pathway; plus strand). Cytogenetic location: 5q22.2.
Variant type: single nucleotide variant.
Coding change: c.4753A>G on transcript NM_000038.6 (MANE Select); coding-DNA position 4753, A replaced by G.
Protein change: p.Thr1585Ala; replaces threonine 1585 with alanine.
Molecular consequence: missense variant.
Genome position (GRCh38, 1-based): chr5:112,840,347, A>G. VCF-style: chr5-112840347-A-G. GRCh37 (hg19) VCF-style: chr5-112176044-A-G.
Other names: c.4753A>G, p.Thr1585Ala (NM_001127510.3, NM_001354895.2); c.4699A>G, p.Thr1567Ala (NM_001127511.3); c.4807A>G, p.Thr1603Ala (NM_001354896.2); c.4783A>G, p.Thr1595Ala (NM_001354897.2); c.4678A>G, p.Thr1560Ala (NM_001354898.2); c.4669A>G, p.Thr1557Ala (NM_001354899.2); c.4630A>G, p.Thr1544Ala (NM_001354900.2); c.4576A>G, p.Thr1526Ala (NM_001354901.2); and 6 more; short protein forms T1459A, T1526A, T1585A, T1595A, T1494A, T1557A, T1302A, T1567A.
Identifiers: ClinVar variation 1369536 (VCV001369536.6), dbSNP rs2149922916, ClinGen allele CA16031754.